The following is an entry in ClinVar:

ClinVar aggregate classification (germline): Likely pathogenic. Review status: criteria provided, multiple submitters, no conflicts (2 of 4 stars). 2 submissions from 2 submitters: Likely pathogenic (2). Last evaluated 2026-08-06.

Conditions:
TTN-related disorder. Also called: TTN-related condition; TTN-related disease; TTN-related disorders.
Tibial muscular dystrophy (TMD). Also called: UDD MYOPATHY; Udd Distal Myopathy – Tibial Muscular Dystrophy; Tibial muscular dystrophy, tardive. Identifiers: Orphanet 609, MedGen C1838244, MONDO:0010870, OMIM 600334.

Submissions (2):

OLLIN Analises Genomicas, OLLIN
Classification: Likely pathogenic for Tibial muscular dystrophy. Last evaluated: 2026-08-06. Review status: criteria provided, single submitter. Criteria: ACMG Guidelines 2015 PMID 25741868. Collection method: clinical testing. Allele origin: germline. Inheritance: Autosomal dominant inheritance.
Comment: This frameshift variant, located in exon 355 (of 363), is absent from gnomAD and has not been identified in the literature. However, it has been reported in ClinVar (accession VCV002672300.1). This variant causes a frameshift and introduces a premature stop codon, which is predicted to result in either a truncated protein or degradation of the mRNA via nonsense-mediated decay (NMD). According to the currently available evidence, this variant has been classified as likely pathogenic (PVS1, PM2_P).

Laboratorio de Genetica e Diagnostico Molecular, Hospital Israelita Albert Einstein
Classification: Likely pathogenic for TTN-related disease. Last evaluated: 2022-07-04. Review status: criteria provided, single submitter. Criteria: ACMG Guidelines, 2015. Collection method: clinical testing. Allele origin: germline.
Comment: ACMG classification criteria: PVS1 very strong, PM2 moderated

NM_001267550.2(TTN):c.99381del (p.Arg33127fs)

Genes: TTN (titin; minus strand), TTN-AS1 (TTN antisense RNA 1; plus strand). Cytogenetic location: 2q31.2.
Variant type: Deletion.
Coding change: c.99381del on transcript NM_001267550.2 (MANE Select); coding-DNA position 99381, one base deleted (G; older notation c.99381delG).
Protein change: p.Arg33127fs; shifts the reading frame from arginine 33127.
Molecular consequence: frameshift variant.
Genome position (GRCh38, 1-based): chr2:178,537,826, C deleted on the plus strand (G on the coding strand, the reverse complement: TTN is on the minus strand); the first of 2 consecutive C bases (chr2:178,537,826-178,537,827); deleting either gives the same sequence. VCF-style (leftmost placement, unchanged base first): chr2-178537825-GC-G. GRCh37 (hg19) VCF-style: chr2-179402552-GC-G.
Other names: c.72186del, p.Arg24062fs (NM_003319.4); c.91677del, p.Arg30559fs (NM_133378.4); c.72561del, p.Arg24187fs (NM_133432.3); c.72762del, p.Arg24254fs (NM_133437.4); c.94458del, p.Arg31486fs (NM_001256850.1); short protein forms R24062fs, R24187fs, R24254fs, R30559fs, R31486fs, R33127fs.
Identifiers: ClinVar variation 2672300 (VCV002672300.2), dbSNP rs2468686204, ClinGen allele CA2580064630.